The following is an entry in ClinVar:

ClinVar aggregate classification (germline): Uncertain significance. Review status: criteria provided, multiple submitters, no conflicts (2 of 4 stars). 2 submissions from 2 submitters: Uncertain significance (2). Last evaluated 2025-11-24.

Conditions:
Inborn genetic diseases. Identifiers: MedGen C0950123, MeSH D030342.

Allele frequency attached by ClinVar (database versions not stated): gnomAD exomes below 0.00001; TOPMed 0.00001.
gnomAD v4.1: 3 of 1,538,586 alleles (0.00019%); highest among the groups gnomAD compares: East Asian, 0.0049%; no homozygotes.

Submissions (2):

Ambry Genetics
Classification: Uncertain significance for Inborn genetic diseases. Last evaluated: 2025-11-24. Review status: criteria provided, single submitter. Criteria: Ambry Variant Classification Scheme 2023. Collection method: clinical testing. Allele origin: germline.

Labcorp Genetics (formerly Invitae), Labcorp
Classification: Uncertain significance. Last evaluated: 2022-03-18. Review status: criteria provided, single submitter. Criteria: Invitae Variant Classification Sherloc (09022015). Collection method: clinical testing. Allele origin: germline.
Comment: In summary, the available evidence is currently insufficient to determine the role of this variant in disease. Therefore, it has been classified as a Variant of Uncertain Significance. Algorithms developed to predict the effect of missense changes on protein structure and function are either unavailable or do not agree on the potential impact of this missense change (SIFT: "Tolerated"; PolyPhen-2: "Possibly Damaging"; Align-GVGD: "Class C0"). This variant has not been reported in the literature in individuals affected with SPEG-related conditions. This variant is not present in population databases (gnomAD no frequency). This sequence change replaces serine, which is neutral and polar, with phenylalanine, which is neutral and non-polar, at codon 118 of the SPEG protein (p.Ser118Phe).

NM_005876.5(SPEG):c.353C>T (p.Ser118Phe)

Gene: SPEG (striated muscle enriched protein kinase; plus strand). Cytogenetic location: 2q35.
Variant type: single nucleotide variant.
Coding change: c.353C>T on transcript NM_005876.5 (MANE Select); coding-DNA position 353, C replaced by T.
Protein change: p.Ser118Phe; replaces serine 118 with phenylalanine.
Molecular consequence: missense variant.
Genome position (GRCh38, 1-based): chr2:219,435,330, C>T. VCF-style: chr2-219435330-C-T. GRCh37 (hg19) VCF-style: chr2-220300052-C-T.
Other names: c.353C>T (NM_005876.4); short protein forms S118F.
Identifiers: ClinVar variation 1968425 (VCV001968425.6), dbSNP rs1326859498, ClinGen allele CA350704372.